The following is an entry in ClinVar:

NM_001042492.3(NF1):c.5910A>G (p.Arg1970=)

Gene: NF1 (neurofibromin 1; plus strand). Cytogenetic location: 17q11.2.
Variant type: single nucleotide variant.
Coding change: c.5910A>G on transcript NM_001042492.3 (MANE Select); coding-DNA position 5910, A replaced by G.
Protein change: p.Arg1970=; no amino-acid change (arginine 1970 retained).
Molecular consequence: synonymous variant.
Genome position (GRCh38, 1-based): chr17:31,334,935, A>G. VCF-style: chr17-31334935-A-G. GRCh37 (hg19) VCF-style: chr17-29661953-A-G.
Other names: c.5847A>G, p.Arg1949= (NM_000267.4).
Identifiers: ClinVar variation 215722 (VCV000215722.41), dbSNP rs777021090, ClinGen allele CA336584.

ClinVar aggregate classification (germline): Benign/Likely benign. Review status: criteria provided, multiple submitters, no conflicts (2 of 4 stars). 6 submissions from 6 submitters: Benign (1); Likely benign (5). Last evaluated 2026-05-20.

Conditions:
Hereditary cancer-predisposing syndrome. Also called: Tumor predisposition; Neoplastic Syndromes, Hereditary; Hereditary Cancer Syndrome; Hereditary neoplastic syndrome. Identifiers: Orphanet 140162, MedGen C0027672, MeSH D009386, MONDO:0015356.
Neurofibromatosis, type 1 (NF1). Also called: NEUROFIBROMATOSIS, TYPE I, SOMATIC; Peripheral type neurofibromatosis; Neurofibromatosis, type I; VON RECKLINGHAUSEN DISEASE. Identifiers: Orphanet 636, MedGen C0027831, MONDO:0018975, OMIM 162200. Disease mechanism: loss of function.

Allele frequency attached by ClinVar (database versions not stated): gnomAD exomes 0.00001 and 0.00002; TOPMed 0.00001; ExAC 0.00002; gnomAD 0.00003 and 0.00005.
gnomAD v4.1: 22 of 1,613,842 alleles (0.0014%); highest among the groups gnomAD compares: East Asian, 0.016%; no homozygotes.

Submissions (6):

Myriad Genetics, Inc.
Classification: Benign for Neurofibromatosis, type 1. Last evaluated: 2026-05-20. Review status: criteria provided, single submitter. Criteria: Myriad Autosomal Dominant, Autosomal Recessive and X-Linked Classification Criteria (2023). Collection method: clinical testing. Allele origin: unknown.
Comment: This variant is considered benign. This variant is a silent/synonymous amino acid change and it is not expected to impact splicing.

Labcorp Genetics (formerly Invitae), Labcorp
Classification: Likely benign for Neurofibromatosis, type 1. Last evaluated: 2026-01-16. Review status: criteria provided, single submitter. Criteria: Invitae Variant Classification Sherloc (09022015). Collection method: clinical testing. Allele origin: germline.

Blueprint Genetics
Classification: Likely benign. Last evaluated: 2024-08-06. Review status: criteria provided, single submitter. Criteria: ACMG Guidelines, 2015. Collection method: clinical testing. Allele origin: germline.

CeGaT Center for Human Genetics Tuebingen
Classification: Likely benign. Last evaluated: 2024-06-01. Review status: criteria provided, single submitter. Criteria: CeGaT Center For Human Genetics Tuebingen Variant Classification Criteria Version 2. Collection method: clinical testing. Allele origin: germline. Affected: yes. Observed: 2 variant alleles.
Comment: NF1: BP4, BP7

Genome-Nilou Lab
Classification: Likely benign for Neurofibromatosis, type 1. Last evaluated: 2022-03-15. Review status: criteria provided, single submitter. Criteria: ACMG Guidelines, 2015. Collection method: clinical testing. Allele origin: germline. Affected: no.

Ambry Genetics
Classification: Likely benign for Hereditary cancer-predisposing syndrome. Last evaluated: 2015-10-01. Review status: criteria provided, single submitter. Criteria: Ambry Autosomal Dominant and X-Linked criteria (10/2015). Collection method: clinical testing. Allele origin: germline. Observed: 1 variant allele.